The following is an entry in ClinVar:

NM_032608.7(MYO18B):c.6382T>C (p.Trp2128Arg)

Gene: MYO18B (myosin XVIIIB; plus strand). Cytogenetic location: 22q12.1.
Variant type: single nucleotide variant.
Coding change: c.6382T>C on transcript NM_032608.7 (MANE Select); coding-DNA position 6382, T replaced by C.
Protein change: p.Trp2128Arg; replaces tryptophan 2128 with arginine.
Molecular consequence: missense variant.
Genome position (GRCh38, 1-based): chr22:26,004,767, T>C. VCF-style: chr22-26004767-T-C. GRCh37 (hg19) VCF-style: chr22-26400733-T-C.
Other names: c.6385T>C, p.Trp2129Arg (NM_001318245.2); c.6382T>C (NM_032608.6); short protein forms W2128R, W2129R.
Identifiers: ClinVar variation 1543667 (VCV001543667.11), dbSNP rs551773968, ClinGen allele CA10161511.

ClinVar aggregate classification (germline): Likely benign. Review status: criteria provided, multiple submitters, no conflicts (2 of 4 stars). 3 submissions from 3 submitters: Likely benign (2). 1 of the submissions does not count toward it. Last evaluated 2025-12-01.

Conditions:
MYO18B-related disorder. Also called: MYO18B-related condition.

Allele frequency attached by ClinVar (database versions not stated): gnomAD 0.00001 and 0.00020; TOPMed 0.00003; gnomAD exomes 0.00031 and 0.00069; ExAC 0.00075; 1000 Genomes Project 30x 0.00219; 1000 Genomes Project 0.00240.
gnomAD v4.1: 488 of 1,613,984 alleles (0.03%); highest among the groups gnomAD compares: South Asian, 0.51%; 6 homozygotes.

Submissions (3):

Labcorp Genetics (formerly Invitae), Labcorp
Classification: Likely benign. Last evaluated: 2025-12-01. Review status: criteria provided, single submitter. Criteria: Invitae Variant Classification Sherloc (09022015). Collection method: clinical testing. Allele origin: germline.

Blueprint Genetics
Classification: Likely benign. Last evaluated: 2024-01-25. Review status: criteria provided, single submitter. Criteria: ACMG Guidelines, 2015. Collection method: clinical testing. Allele origin: germline.

PreventionGenetics, part of Exact Sciences
Classification: Likely benign for MYO18B-related condition. Last evaluated: 2019-04-04. Review status: no assertion criteria provided. Collection method: clinical testing. Allele origin: germline. Not counted in ClinVar's aggregate classification.
Comment: This variant is classified as likely benign based on ACMG/AMP sequence variant interpretation guidelines (Richards et al. 2015 PMID: 25741868, with internal and published modifications).